The following is an entry in ClinVar:

NM_000135.4(FANCA):c.1829C>T (p.Ala610Val)

Gene: FANCA (FA complementation group A; minus strand). Cytogenetic location: 16q24.3.
Variant type: single nucleotide variant.
Coding change: c.1829C>T on transcript NM_000135.4 (MANE Select); coding-DNA position 1829, C replaced by T.
Protein change: p.Ala610Val; replaces alanine 610 with valine.
Molecular consequence: missense variant.
Genome position (GRCh38, 1-based): chr16:89,775,813, G>A on the plus strand (C>T on the coding strand, the complement: FANCA is on the minus strand). VCF-style: chr16-89775813-G-A. GRCh37 (hg19) VCF-style: chr16-89842221-G-A.
Other names: c.1829C>T (NM_000135.2); c.1829C>T, p.Ala610Val (NM_001286167.3); short protein forms A610V.
Identifiers: ClinVar variation 1518578 (VCV001518578.9), dbSNP rs1598120974, ClinGen allele CA397452180.
Genomic context (GRCh38, chr16:89,775,813, plus strand): 5'-TCTTCAGCAGCAGAGCAGGCCTGGCAGTAGGTGGAGTACAGAGATGGGGGGATTTTATCT[G>A]CTCTGGATCACAGGAAAACAATACAATTAAGTCAGCTATGGCTTAAATTAATTCAAGATT-3'
Protein context (NP_000126.2, residues 600-620): RVAFIESLKR[Ala610Val]DKIPPSLYST

ClinVar aggregate classification (germline): Uncertain significance. Review status: criteria provided, multiple submitters, no conflicts (2 of 4 stars). 2 submissions from 2 submitters: Uncertain significance (2). Last evaluated 2026-05-15.

Conditions:
Fanconi anemia (FA). Also called: Fanconi's anemia. Identifiers: Orphanet 84, MedGen C0015625, MeSH D005199, MONDO:0019391.
Inborn genetic diseases. Identifiers: MedGen C0950123, MeSH D030342.

Allele frequency attached by ClinVar (database versions not stated): gnomAD exomes below 0.00001.
gnomAD v4.1: 1 of 1,608,824 alleles (0.000062%); highest among the groups gnomAD compares: Non-Finnish European, 0.000085%; no homozygotes.

Submissions (2):

Ambry Genetics
Classification: Uncertain significance for Inborn genetic diseases. Last evaluated: 2026-05-15. Review status: criteria provided, single submitter. Criteria: Ambry Variant Classification Scheme 2023. Collection method: clinical testing. Allele origin: germline.
Comment: The p.A610V variant (also known as c.1829C>T), located in coding exon 21 of the FANCA gene, results from a C to T substitution at nucleotide position 1829. The alanine at codon 610 is replaced by valine, an amino acid with similar properties. This amino acid position is conserved. In addition, the in silico prediction for this alteration is inconclusive. Based on the available evidence, the clinical significance of this variant remains unclear.

Labcorp Genetics (formerly Invitae), Labcorp
Classification: Uncertain significance for Fanconi anemia. Last evaluated: 2022-07-12. Review status: criteria provided, single submitter. Criteria: Invitae Variant Classification Sherloc (09022015). Collection method: clinical testing. Allele origin: germline.
Comment: In summary, the available evidence is currently insufficient to determine the role of this variant in disease. Therefore, it has been classified as a Variant of Uncertain Significance. Algorithms developed to predict the effect of missense changes on protein structure and function are either unavailable or do not agree on the potential impact of this missense change (SIFT: "Deleterious"; PolyPhen-2: "Possibly Damaging"; Align-GVGD: "Class C0"). ClinVar contains an entry for this variant (Variation ID: 1518578). This variant has not been reported in the literature in individuals affected with FANCA-related conditions. This variant is not present in population databases (gnomAD no frequency). This sequence change replaces alanine, which is neutral and non-polar, with valine, which is neutral and non-polar, at codon 610 of the FANCA protein (p.Ala610Val).